The following is an entry in ClinVar:

NM_020738.4(KIDINS220):c.3747G>A (p.Gln1249=)

Gene: KIDINS220 (kinase D interacting substrate 220; minus strand). Cytogenetic location: 2p25.1.
Variant type: single nucleotide variant.
Coding change: c.3747G>A on transcript NM_020738.4 (MANE Select); coding-DNA position 3747, G replaced by A.
Protein change: p.Gln1249=; no amino-acid change (glutamine 1249 retained).
Molecular consequence: synonymous variant. On other transcripts: non-coding transcript variant (2).
Genome position (GRCh38, 1-based): chr2:8,734,724, C>T on the plus strand (G>A on the coding strand, the complement: KIDINS220 is on the minus strand). VCF-style: chr2-8734724-C-T. GRCh37 (hg19) VCF-style: chr2-8874854-C-T.
Other names: c.3750G>A, p.Gln1250= (NM_001348729.2); c.3693G>A, p.Gln1231= (NM_001348731.2); c.3690G>A, p.Gln1230= (NM_001348732.2, NM_001348738.2); c.3579G>A, p.Gln1193= (NM_001348734.2, NM_001348739.2, NM_001348740.2); c.3576G>A, p.Gln1192= (NM_001348735.2, NM_001348741.2, NM_001348742.2 and 1 more transcripts); c.3450G>A, p.Gln1150= (NM_001348736.2).
Identifiers: ClinVar variation 734110 (VCV000734110.9), dbSNP rs766567862, ClinGen allele CA1519526.

ClinVar aggregate classification (germline): Likely benign. Review status: criteria provided, single submitter (1 of 4 stars). 2 submissions from 2 submitters: Likely benign (1). 1 of the submissions does not count toward it. Last evaluated 2023-11-28.

Conditions:
KIDINS220-related disorder. Also called: KIDINS220-related condition.

Allele frequency attached by ClinVar (database versions not stated): ExAC 0.00004; TOPMed 0.00017; gnomAD 0.00019 and 0.00020.
gnomAD v4.1: 47 of 1,613,140 alleles (0.0029%); highest among the groups gnomAD compares: African/African-American, 0.056%; no homozygotes.

Submissions (2):

Labcorp Genetics (formerly Invitae), Labcorp
Classification: Likely benign. Last evaluated: 2023-11-28. Review status: criteria provided, single submitter. Criteria: Invitae Variant Classification Sherloc (09022015). Collection method: clinical testing. Allele origin: germline.

PreventionGenetics, part of Exact Sciences
Classification: Likely benign for KIDINS220-related condition. Last evaluated: 2023-08-07. Review status: no assertion criteria provided. Collection method: clinical testing. Allele origin: germline. Not counted in ClinVar's aggregate classification.
Comment: This variant is classified as likely benign based on ACMG/AMP sequence variant interpretation guidelines (Richards et al. 2015 PMID: 25741868, with internal and published modifications).